The following is an entry in ClinVar:

ClinVar aggregate classification (germline): Uncertain significance. Review status: criteria provided, multiple submitters, no conflicts (2 of 4 stars). 2 submissions from 2 submitters: Uncertain significance (2). Last evaluated 2025-05-24.

Conditions:
Anauxetic dysplasia. Identifiers: Orphanet 93347, MedGen C1846796, MONDO:0011773.

Submissions (2):

Labcorp Genetics (formerly Invitae), Labcorp
Classification: Uncertain significance for Anauxetic dysplasia. Last evaluated: 2025-05-24. Review status: criteria provided, single submitter. Criteria: Invitae Variant Classification Sherloc (09022015). Collection method: clinical testing. Allele origin: germline.
Comment: This variant occurs in the RMRP gene, which encodes an RNA molecule that does not result in a protein product. This variant is present in population databases (no rsID available, gnomAD 0.004%). This variant has not been reported in the literature in individuals affected with RMRP-related conditions. ClinVar contains an entry for this variant (Variation ID: 3251346). In summary, the available evidence is currently insufficient to determine the role of this variant in disease. Therefore, it has been classified as a Variant of Uncertain Significance.

Women's Health and Genetics/Laboratory Corporation of America, LabCorp
Classification: Uncertain significance. Last evaluated: 2024-04-11. Review status: criteria provided, single submitter. Criteria: LabCorp Variant Classification Summary - May 2015. Collection method: clinical testing. Allele origin: germline.
Comment: Variant summary: RMRP n.69_70insT alters a nucleotide in the non-coding RNA. The variant allele was found at a frequency of 1.5e-05 in 130472 control chromosomes. The available data on variant occurrences in the general population are insufficient to allow any conclusion about variant significance. To our knowledge, no occurrence of n.69_70insT in individuals affected with Cartilage-Hair Hypoplasia and no experimental evidence demonstrating its impact on protein function have been reported. An immediate downstream insertion n.70_71insT has been reported in patient(s) with Cartilage-Hair Hypoplasia (PMID 32021596), suggesting this region may be functionally important. No submitters have cited clinical-significance assessments for this variant to ClinVar. Based on the evidence outlined above, the variant was classified as uncertain significance.

NR_003051.4(RMRP):n.70_71insT

Gene: RMRP (RNA component of mitochondrial RNA processing endoribonuclease; minus strand). Cytogenetic location: 9p13.3.
Variant type: Insertion.
Molecular consequence: non-coding transcript variant (on NR_003051.4).
Genome position: GRCh38 VCF-style: chr9-35657949-C-CA. GRCh37 (hg19) VCF-style: chr9-35657946-C-CA.
Identifiers: ClinVar variation 3251346 (VCV003251346.3), dbSNP rs1325325615.